The following is an entry in ClinVar:

NM_005908.4(MANBA):c.781C>T (p.Gln261Ter)

Gene: MANBA (mannosidase beta; minus strand). Cytogenetic location: 4q24.
Variant type: single nucleotide variant.
Coding change: c.781C>T on transcript NM_005908.4 (MANE Select); coding-DNA position 781, C replaced by T.
Protein change: p.Gln261Ter; replaces glutamine 261 with a stop codon.
Molecular consequence: nonsense.
Genome position (GRCh38, 1-based): chr4:102,690,664, G>A on the plus strand (C>T on the coding strand, the complement: MANBA is on the minus strand). VCF-style: chr4-102690664-G-A. GRCh37 (hg19) VCF-style: chr4-103611821-G-A.
Other names: short protein forms Q261*.
Identifiers: ClinVar variation 3017997 (VCV003017997.3), dbSNP rs1437481110, ClinGen allele CA357769290.

ClinVar aggregate classification (germline): Pathogenic (1 of 4 stars; one submission).

Conditions:
Beta-D-mannosidosis (MANSB). Also called: MANNOSIDOSIS, BETA A, LYSOSOMAL; BETA-MANNOSIDASE DEFICIENCY; LYSOSOMAL BETA-MANNOSIDASE DEFICIENCY; Beta-Mannosidosis. Identifiers: Orphanet 118, MedGen C4048196, MONDO:0009562, OMIM 248510.

Submission:

Labcorp Genetics (formerly Invitae), Labcorp
Classification: Pathogenic for Beta-D-mannosidosis. Last evaluated: 2023-08-11. Review status: criteria provided, single submitter. Criteria: Invitae Variant Classification Sherloc (09022015). Collection method: clinical testing. Allele origin: germline.
Comment: This sequence change creates a premature translational stop signal (p.Gln261*) in the MANBA gene. It is expected to result in an absent or disrupted protein product. Loss-of-function variants in MANBA are known to be pathogenic (PMID: 9384606, 12468273). This variant has not been reported in the literature in individuals affected with MANBA-related conditions. This variant is not present in population databases (gnomAD no frequency). For these reasons, this variant has been classified as Pathogenic.

Literature cited by the submitters: PubMed 9384606; PubMed 12468273.